The following is an entry in ClinVar:

NC_000007.13:g.(?_65547857)_(65548171_?)del

Gene: ASL (argininosuccinate lyase; plus strand). Cytogenetic location: 7q11.21.
Variant type: Deletion.
Identifiers: ClinVar variation 2422197 (VCV002422197.4).

ClinVar aggregate classification (germline): Pathogenic (1 of 4 stars; one submission).

Conditions:
Argininosuccinate lyase deficiency. Also called: ARGININOSUCCINIC ACID LYASE DEFICIENCY; ASL DEFICIENCY; Argininosuccinic aciduria. Identifiers: Orphanet 23, MedGen C0268547, MONDO:0008815, OMIM 207900, HP:0025630.

Submission:

Labcorp Genetics (formerly Invitae), Labcorp
Classification: Pathogenic for Argininosuccinate lyase deficiency. Last evaluated: 2022-10-05. Review status: criteria provided, single submitter. Criteria: Invitae Variant Classification Sherloc (09022015). Collection method: clinical testing. Allele origin: germline.
Comment: For these reasons, this variant has been classified as Pathogenic. This variant has not been reported in the literature in individuals affected with ASL-related conditions. This variant is a gross deletion of the genomic region encompassing exon(s) 5-6 of the ASL gene. This deletion is out-of-frame, and is expected to create a premature termination codon and result in an absent or disrupted protein product. Loss-of-function variants in ASL are known to be pathogenic (PMID: 2263616, 24166829).

Literature cited by the submitters: PubMed 2263616; PubMed 24166829.